The following is an entry in ClinVar:

NM_024678.6(NARS2):c.252-5T>C

Gene: NARS2 (asparaginyl-tRNA synthetase 2, mitochondrial; minus strand). Cytogenetic location: 11q14.1.
Variant type: single nucleotide variant.
Coding change: c.252-5T>C on transcript NM_024678.6 (MANE Select); 5 bases into the intron before coding-DNA position 252, T replaced by C.
Molecular consequence: intron variant.
Genome position (GRCh38, 1-based): chr11:78,568,757, A>G on the plus strand (T>C on the coding strand, the complement: NARS2 is on the minus strand). VCF-style: chr11-78568757-A-G. GRCh37 (hg19) VCF-style: chr11-78279803-A-G.
Other names: p.?; c.-430-5T>C (NM_001243251.2).
Identifiers: ClinVar variation 381426 (VCV000381426.12), dbSNP rs116319686, ClinGen allele CA6205899.

ClinVar aggregate classification (germline): Benign. Review status: criteria provided, multiple submitters, no conflicts (2 of 4 stars). 3 submissions from 3 submitters: Benign (3). Last evaluated 2026-01-26.

Allele frequency attached by ClinVar (database versions not stated): gnomAD exomes 0.00099 and 0.00296; ExAC 0.00354; 1000 Genomes Project 0.00719; 1000 Genomes Project 30x 0.00828; gnomAD 0.01095 and 0.01189; TOPMed 0.01232; ESP Exome Variant Server 0.01402.
gnomAD v4.1: 3,124 of 1,587,676 alleles (0.2%); highest among the groups gnomAD compares: African/African-American, 3.9%; 61 homozygotes.

Submissions (3):

Labcorp Genetics (formerly Invitae), Labcorp
Classification: Benign. Last evaluated: 2026-01-26. Review status: criteria provided, single submitter. Criteria: Invitae Variant Classification Sherloc (09022015). Collection method: clinical testing. Allele origin: germline.

Mayo Clinic Laboratories, Mayo Clinic
Classification: Benign. Last evaluated: 2025-05-20. Review status: criteria provided, single submitter. Criteria: ACMG Guidelines, 2015. Collection method: clinical testing. Allele origin: germline. Observed: 4 variant alleles.
Comment: BA1, BP4, BP7

GeneDx
Classification: Benign. Last evaluated: 2016-03-30. Review status: criteria provided, single submitter. Criteria: GeneDx Variant Classification (06012015). Collection method: clinical testing. Allele origin: germline. Affected: yes.
Comment: This variant is considered likely benign or benign based on one or more of the following criteria: it is a conservative change, it occurs at a poorly conserved position in the protein, it is predicted to be benign by multiple in silico algorithms, and/or has population frequency not consistent with disease.